The following is an entry in ClinVar:

NM_002457.5(MUC2):c.12468C>A (p.Pro4156=)

Gene: MUC2 (mucin 2, oligomeric mucus/gel-forming; plus strand). Cytogenetic location: 11p15.5.
Variant type: single nucleotide variant.
Coding change: c.12468C>A on transcript NM_002457.5 (MANE Select); coding-DNA position 12468, C replaced by A.
Protein change: p.Pro4156=; no amino-acid change (proline 4156 retained).
Molecular consequence: synonymous variant.
Genome position: GRCh38 VCF-style: chr11-1099802-G-A. GRCh37 (hg19) VCF-style: chr11-1093710-C-A.
Identifiers: ClinVar variation 2641150 (VCV002641150.24), dbSNP rs7944723, ClinGen allele CA5800407.
Genomic context (GRCh38, chr11:1,099,802, plus strand): 5'-CCCAACCCCAACACCCACCACTGGAAGCACGGGGCCCCCCACCCACACAAGCACAGCACC[G>A]ATTGCTGAGTTGACCACATCCAATCCTCCGCCTGAGTCCTCAACCCCTCAGACCTCTCGG-3'
Protein context (NP_002448.5, residues 4146-4166): TGPPTHTSTA[Pro4156=]IAELTTSNPP

ClinVar aggregate classification (germline): Likely benign (1 of 4 stars; one submission).

Allele frequency attached by ClinVar (database versions not stated): 1000 Genomes Project 30x 0.00016.

Submission:

CeGaT Center for Human Genetics Tuebingen
Classification: Likely benign. Last evaluated: 2022-10-01. Review status: criteria provided, single submitter. Criteria: CeGaT Center For Human Genetics Tuebingen Variant Classification Criteria Version 2. Collection method: clinical testing. Allele origin: germline. Affected: yes. Observed: 2 variant alleles.
Comment: MUC2: BP4, BP7